The following is an entry in ClinVar:

NM_198253.3(TERT):c.2970+5G>C

Gene: TERT (telomerase reverse transcriptase; minus strand). Cytogenetic location: 5p15.33.
Variant type: single nucleotide variant.
Coding change: c.2970+5G>C on transcript NM_198253.3 (MANE Select); 5 bases into the intron after coding-DNA position 2970, G replaced by C.
Molecular consequence: intron variant.
Genome position (GRCh38, 1-based): chr5:1,260,469, C>G on the plus strand (G>C on the coding strand, the complement: TERT is on the minus strand). VCF-style: chr5-1260469-C-G. GRCh37 (hg19) VCF-style: chr5-1260584-C-G.
Other names: c.2781+5G>C (NM_001193376.3).
Identifiers: ClinVar variation 4825591 (VCV004825591.1).

ClinVar aggregate classification (germline): Uncertain significance (1 of 4 stars; one submission).

Conditions:
Dyskeratosis congenita. Identifiers: Orphanet 1775, MedGen C0265965, MONDO:0015780.

Submission:

Ambry Genetics
Classification: Uncertain significance for Dyskeratosis congenita. Last evaluated: 2026-02-23. Review status: criteria provided, single submitter. Criteria: Ambry Variant Classification Scheme 2023. Collection method: clinical testing. Allele origin: germline.
Comment: The c.2970+5G>C intronic variant results from a G to C substitution 5 nucleotides after coding exon 12 in the TERT gene. This nucleotide position is well conserved in available vertebrate species. In silico splice site analysis predicts that this alteration may weaken the native splice donor site and will result in the creation or strengthening of a novel splice donor site. Based on the available evidence, the clinical significance of this variant remains unclear.